The following is an entry in ClinVar:

NM_001330078.2(NRXN1):c.2045G>C (p.Ser682Thr)

Gene: NRXN1 (neurexin 1; minus strand). Cytogenetic location: 2p16.3.
Variant type: single nucleotide variant.
Coding change: c.2045G>C on transcript NM_001330078.2 (MANE Select); coding-DNA position 2045, G replaced by C.
Protein change: p.Ser682Thr; replaces serine 682 with threonine.
Molecular consequence: missense variant.
Genome position (GRCh38, 1-based): chr2:50,538,351, C>G on the plus strand (G>C on the coding strand, the complement: NRXN1 is on the minus strand). VCF-style: chr2-50538351-C-G. GRCh37 (hg19) VCF-style: chr2-50765489-C-G.
Other names: c.2165G>C, p.Ser722Thr (NM_001135659.3); c.2021G>C, p.Ser674Thr (NM_001330077.2, NM_001330082.2, NM_001330095.2); c.2006G>C, p.Ser669Thr (NM_001330083.2, NM_001330084.2); c.2045G>C, p.Ser682Thr (NM_001330085.2, NM_001330086.2, NM_004801.6); c.1961G>C, p.Ser654Thr (NM_001330087.2, NM_001330096.2); c.1991G>C, p.Ser664Thr (NM_001330088.2); c.2042G>C, p.Ser681Thr (NM_001330093.2); c.2033G>C, p.Ser678Thr (NM_001330094.2); short protein forms S669T, S674T, S722T, S654T, S664T, S681T, S682T, S678T.
Identifiers: ClinVar variation 856028 (VCV000856028.12), dbSNP rs200918673, ClinGen allele CA1654936.

ClinVar aggregate classification (germline): Uncertain significance. Review status: criteria provided, multiple submitters, no conflicts (2 of 4 stars). 2 submissions from 2 submitters: Uncertain significance (2). Last evaluated 2025-09-11.

Conditions:
Pitt-Hopkins-like syndrome 2 (PTHSL2). Identifiers: Orphanet 221150, Orphanet 600663, MedGen C3280479, MONDO:0013690, OMIM 614325.
Inborn genetic diseases. Identifiers: MedGen C0950123, MeSH D030342.

Allele frequency attached by ClinVar (database versions not stated): gnomAD exomes below 0.00001; ExAC 0.00002; gnomAD 0.00002 and 0.00003; TOPMed 0.00004; ESP Exome Variant Server 0.00016.
gnomAD v4.1: 7 of 1,613,854 alleles (0.00043%); highest among the groups gnomAD compares: African/African-American, 0.0013%; no homozygotes.

Submissions (2):

Ambry Genetics
Classification: Uncertain significance for Inborn genetic diseases. Last evaluated: 2025-09-11. Review status: criteria provided, single submitter. Criteria: Ambry Variant Classification Scheme 2023. Collection method: clinical testing. Allele origin: germline.

Labcorp Genetics (formerly Invitae), Labcorp
Classification: Uncertain significance for Pitt-Hopkins-like syndrome 2. Last evaluated: 2023-06-09. Review status: criteria provided, single submitter. Criteria: Invitae Variant Classification Sherloc (09022015). Collection method: clinical testing. Allele origin: germline.
Comment: This sequence change replaces serine, which is neutral and polar, with threonine, which is neutral and polar, at codon 722 of the NRXN1 protein (p.Ser722Thr). In summary, the available evidence is currently insufficient to determine the role of this variant in disease. Therefore, it has been classified as a Variant of Uncertain Significance. An algorithm developed to predict the effect of missense changes on protein structure and function (PolyPhen-2) suggests that this variant is likely to be tolerated. ClinVar contains an entry for this variant (Variation ID: 856028). This variant has not been reported in the literature in individuals affected with NRXN1-related conditions. This variant is present in population databases (rs200918673, gnomAD 0.004%).